The following is an entry in ClinVar:

NM_015702.3(MMADHC):c.433A>T (p.Arg145Ter)

Gene: MMADHC (metabolism of cobalamin associated D; minus strand). Cytogenetic location: 2q23.2.
Variant type: single nucleotide variant.
Coding change: c.433A>T on transcript NM_015702.3 (MANE Select); coding-DNA position 433, A replaced by T.
Protein change: p.Arg145Ter; replaces arginine 145 with a stop codon.
Molecular consequence: nonsense.
Genome position (GRCh38, 1-based): chr2:149,576,482, T>A on the plus strand (A>T on the coding strand, the complement: MMADHC is on the minus strand). VCF-style: chr2-149576482-T-A. GRCh37 (hg19) VCF-style: chr2-150432996-T-A.
Other names: short protein forms R145*.
Identifiers: ClinVar variation 1436154 (VCV001436154.8), dbSNP rs1431992617, ClinGen allele CA348870321.

ClinVar aggregate classification (germline): Pathogenic (1 of 4 stars; one submission).

Conditions:
Methylmalonic aciduria and homocystinuria type cblD (MAHCD). Also called: METHYLMALONIC ACIDEMIA, cblH TYPE; Methylmalonic aciduria with homocystinuria cblD type. Identifiers: Orphanet 622, Orphanet 79283, MedGen C1848552, MONDO:0010185, OMIM 277410.

Allele frequency attached by ClinVar (database versions not stated): gnomAD 0.00002; gnomAD exomes below 0.00001; TOPMed 0.00002.
gnomAD v4.1: 4 of 1,613,594 alleles (0.00025%); highest among the groups gnomAD compares: African/African-American, 0.0053%; no homozygotes.

Submission:

Labcorp Genetics (formerly Invitae), Labcorp
Classification: Pathogenic for Methylmalonic aciduria and homocystinuria type cblD. Last evaluated: 2023-01-19. Review status: criteria provided, single submitter. Criteria: Invitae Variant Classification Sherloc (09022015). Collection method: clinical testing. Allele origin: germline.
Comment: For these reasons, this variant has been classified as Pathogenic. ClinVar contains an entry for this variant (Variation ID: 1436154). This variant has not been reported in the literature in individuals affected with MMADHC-related conditions. This variant is present in population databases (no rsID available, gnomAD 0.008%). This sequence change creates a premature translational stop signal (p.Arg145*) in the MMADHC gene. It is expected to result in an absent or disrupted protein product. Loss-of-function variants in MMADHC are known to be pathogenic (PMID: 18385497).

Literature cited by the submitters: PubMed 18385497.